The following is an entry in ClinVar:

ClinVar aggregate classification (germline): Likely benign. Review status: criteria provided, single submitter (1 of 4 stars). 2 submissions from 2 submitters: Likely benign (1). 1 of the submissions does not count toward it. Last evaluated 2025-11-26.

Conditions:
NUP160-related disorder. Also called: NUP160-related condition.

Allele frequency attached by ClinVar (database versions not stated): TOPMed 0.00010; gnomAD 0.00011; 1000 Genomes Project 30x 0.00031; 1000 Genomes Project 0.00040.
gnomAD v4.1: 43 of 1,613,486 alleles (0.0027%); highest among the groups gnomAD compares: African/African-American, 0.039%; no homozygotes.

Submissions (2):

Labcorp Genetics (formerly Invitae), Labcorp
Classification: Likely benign. Last evaluated: 2025-11-26. Review status: criteria provided, single submitter. Criteria: Invitae Variant Classification Sherloc (09022015). Collection method: clinical testing. Allele origin: germline.

PreventionGenetics, part of Exact Sciences
Classification: Likely benign for NUP160-related condition. Last evaluated: 2021-05-07. Review status: no assertion criteria provided. Collection method: clinical testing. Allele origin: germline. Not counted in ClinVar's aggregate classification.
Comment: This variant is classified as likely benign based on ACMG/AMP sequence variant interpretation guidelines (Richards et al. 2015 PMID: 25741868, with internal and published modifications).

NM_015231.3(NUP160):c.2205A>G (p.Leu735=)

Gene: NUP160 (nucleoporin 160; minus strand). Cytogenetic location: 11p11.2.
Variant type: single nucleotide variant.
Coding change: c.2205A>G on transcript NM_015231.3 (MANE Select); coding-DNA position 2205, A replaced by G.
Protein change: p.Leu735=; no amino-acid change (leucine 735 retained).
Molecular consequence: synonymous variant. On other transcripts: non-coding transcript variant (1).
Genome position (GRCh38, 1-based): chr11:47,808,464, T>C on the plus strand (A>G on the coding strand, the complement: NUP160 is on the minus strand). VCF-style: chr11-47808464-T-C. GRCh37 (hg19) VCF-style: chr11-47830016-T-C.
Identifiers: ClinVar variation 3049914 (VCV003049914.3), dbSNP rs564280987, ClinGen allele CA5981063.